The following is an entry in ClinVar:

ClinVar aggregate classification (germline): Uncertain significance (1 of 4 stars; one submission).

Conditions:
Aicardi-Goutieres syndrome 7 (AGS7). Identifiers: Orphanet 51, MedGen C3888244, MONDO:0014367, OMIM 615846.
Singleton-Merten syndrome 1 (SGMRT1). Also called: Widened medullary cavities of bone, aortic calcification, abnormal dentition, and muscular weakness; Syndrome of widened medullary cavities of the metacarpals and phalanges, aortic calcification and abnormal dentition. Identifiers: Orphanet 85191, MedGen C4225427, MONDO:0024535, OMIM 182250.

Allele frequency attached by ClinVar (database versions not stated): ExAC 0.00002; TOPMed below 0.00001; gnomAD exomes 0.00002.

Submission:

Labcorp Genetics (formerly Invitae), Labcorp
Classification: Uncertain significance for Aicardi-Goutieres syndrome 7; Singleton-Merten syndrome 1. Last evaluated: 2025-12-17. Review status: criteria provided, single submitter. Criteria: Invitae Variant Classification Sherloc (09022015). Collection method: clinical testing. Allele origin: germline.
Comment: This sequence change creates a premature translational stop signal (p.Arg720*) in the IFIH1 gene. It is expected to result in an absent or disrupted protein product. However, the current clinical and genetic evidence is not sufficient to establish whether loss-of-function variants in IFIH1 cause disease. This variant is present in population databases (rs761864966, gnomAD 0.003%). This variant has not been reported in the literature in individuals affected with IFIH1-related conditions. ClinVar contains an entry for this variant (Variation ID: 2081299). In summary, the available evidence is currently insufficient to determine the role of this variant in disease. Therefore, it has been classified as a Variant of Uncertain Significance.

NM_022168.4(IFIH1):c.2158C>T (p.Arg720Ter)

Gene: IFIH1 (interferon induced with helicase C domain 1; minus strand). Cytogenetic location: 2q24.2.
Variant type: single nucleotide variant.
Coding change: c.2158C>T on transcript NM_022168.4 (MANE Select); coding-DNA position 2158, C replaced by T.
Protein change: p.Arg720Ter; replaces arginine 720 with a stop codon.
Molecular consequence: nonsense.
Genome position (GRCh38, 1-based): chr2:162,276,833, G>A on the plus strand (C>T on the coding strand, the complement: IFIH1 is on the minus strand). VCF-style: chr2-162276833-G-A. GRCh37 (hg19) VCF-style: chr2-163133343-G-A.
Other names: short protein forms R720*.
Identifiers: ClinVar variation 2081299 (VCV002081299.4), dbSNP rs761864966, ClinGen allele CA1934280.